The following is an entry in ClinVar:

NM_001322934.2(NFKB2):c.1798+3G>A

Gene: NFKB2 (nuclear factor kappa B subunit 2; plus strand). Cytogenetic location: 10q24.32.
Variant type: single nucleotide variant.
Coding change: c.1798+3G>A on transcript NM_001322934.2 (MANE Select); 3 bases into the intron after coding-DNA position 1798, G replaced by A.
Molecular consequence: intron variant.
Genome position (GRCh38, 1-based): chr10:102,400,494, G>A. VCF-style: chr10-102400494-G-A. GRCh37 (hg19) VCF-style: chr10-104160251-G-A.
Other names: c.1798+3G>A (NM_001288724.1, NM_001077494.3, NM_001261403.3 and 1 more transcripts); c.1672+3G>A (NM_001322935.1).
Identifiers: ClinVar variation 2750018 (VCV002750018.3), dbSNP rs2544596493, ClinGen allele CA2610671417.

ClinVar aggregate classification (germline): Uncertain significance (1 of 4 stars; one submission).

Conditions:
Immunodeficiency, common variable, 10. Also called: DEFICIT IN ANTERIOR PITUITARY FUNCTION AND VARIABLE IMMUNODEFICIENCY; IMMUNODEFICIENCY, COMMON VARIABLE, WITH CENTRAL ADRENAL INSUFFICIENCY. Identifiers: MedGen C3809991, MONDO:0014260, OMIM 615577.

Allele frequency attached by ClinVar (database versions not stated): gnomAD exomes below 0.00001.
gnomAD v4.1: 5 of 1,599,400 alleles (0.00031%); highest among the groups gnomAD compares: Non-Finnish European, 0.00034%; no homozygotes.

Submission:

Labcorp Genetics (formerly Invitae), Labcorp
Classification: Uncertain significance for Immunodeficiency, common variable, 10. Last evaluated: 2024-11-18. Review status: criteria provided, single submitter. Criteria: Invitae Variant Classification Sherloc (09022015). Collection method: clinical testing. Allele origin: germline.
Comment: This sequence change falls in intron 16 of the NFKB2 gene. It does not directly change the encoded amino acid sequence of the NFKB2 protein. It affects a nucleotide within the consensus splice site. This variant is not present in population databases (gnomAD no frequency). This variant has not been reported in the literature in individuals affected with NFKB2-related conditions. ClinVar contains an entry for this variant (Variation ID: 2750018). Variants that disrupt the consensus splice site are a relatively common cause of aberrant splicing (PMID: 17576681, 9536098). Algorithms developed to predict the effect of sequence changes on RNA splicing suggest that this variant is not likely to affect RNA splicing. In summary, the available evidence is currently insufficient to determine the role of this variant in disease. Therefore, it has been classified as a Variant of Uncertain Significance.

Literature cited by the submitters: PubMed 17576681; PubMed 9536098.